The following is an entry in ClinVar:

ClinVar aggregate classification (germline): Conflicting classifications of pathogenicity. Review status: criteria provided, conflicting classifications (1 of 4 stars). 5 submissions from 5 submitters: Uncertain significance (1); Benign (3); Likely benign (1). Last evaluated 2026-01-26.

Conditions:
Inborn genetic diseases. Identifiers: MedGen C0950123, MeSH D030342.
X-linked sideroblastic anemia with ataxia (SCAX6). Also called: SPINOCEREBELLAR ATAXIA, X-LINKED 6, WITH OR WITHOUT SIDEROBLASTIC ANEMIA. Identifiers: Orphanet 2802, MedGen C1845028, MONDO:0010524, OMIM 301310.

Allele frequency attached by ClinVar (database versions not stated): gnomAD exomes 0.00022 and 0.00052; ExAC 0.00067; 1000 Genomes Project 0.00159; gnomAD 0.00176 and 0.00187; 1000 Genomes Project 30x 0.00187; TOPMed 0.00200; ESP Exome Variant Server 0.00284.
gnomAD v4.1: 447 of 1,209,497 alleles (0.037%); highest among the groups gnomAD compares: African/African-American, 0.66%; 1 homozygote.

Submissions (5):

Labcorp Genetics (formerly Invitae), Labcorp
Classification: Benign. Last evaluated: 2026-01-26. Review status: criteria provided, single submitter. Criteria: Invitae Variant Classification Sherloc (09022015). Collection method: clinical testing. Allele origin: germline.

Ambry Genetics
Classification: Uncertain significance for Inborn genetic diseases. Last evaluated: 2025-01-29. Review status: criteria provided, single submitter. Criteria: Ambry Variant Classification Scheme 2023. Collection method: clinical testing. Allele origin: germline.

Blueprint Genetics
Classification: Likely benign. Last evaluated: 2024-09-02. Review status: criteria provided, single submitter. Criteria: ACMG Guidelines, 2015. Collection method: clinical testing. Allele origin: germline.

GeneDx
Classification: Benign. Last evaluated: 2018-08-09. Review status: criteria provided, single submitter. Criteria: GeneDx Variant Classification Process June 2021. Collection method: clinical testing. Allele origin: germline. Affected: yes.

Illumina Laboratory Services, Illumina
Classification: Benign for X-linked sideroblastic anemia with ataxia. Last evaluated: 2018-01-13. Review status: criteria provided, single submitter. Criteria: ICSL Variant Classification Criteria 13 December 2019. Collection method: clinical testing. Allele origin: germline.
Comment: This variant was observed in the ICSL laboratory as part of a predisposition screen in an ostensibly healthy population. It had not been previously curated by ICSL or reported in the Human Gene Mutation Database (HGMD: prior to June 1st, 2018), and was therefore a candidate for classification through an automated scoring system. Utilizing variant allele frequency, disease prevalence and penetrance estimates, and inheritance mode, an automated score was calculated to assess if this variant is too frequent to cause the disease. Based on the score and internal cut-off values, a variant classified as benign is not then subjected to further curation. The score for this variant resulted in a classification of benign for this disease.

NM_001271696.3(ABCB7):c.1492G>A (p.Gly498Arg)

Gene: ABCB7 (ATP binding cassette subfamily B member 7; minus strand). Cytogenetic location: Xq13.3.
Variant type: single nucleotide variant.
Coding change: c.1492G>A on transcript NM_001271696.3 (MANE Select); coding-DNA position 1492, G replaced by A.
Protein change: p.Gly498Arg; replaces glycine 498 with arginine.
Molecular consequence: missense variant.
Genome position (GRCh38, 1-based): chrX:75,069,328, C>T on the plus strand (G>A on the coding strand, the complement: ABCB7 is on the minus strand). VCF-style: chrX-75069328-C-T. GRCh37 (hg19) VCF-style: chrX-74289163-C-T.
Other names: c.1372G>A, p.Gly458Arg (NM_001271697.3); c.1414G>A, p.Gly472Arg (NM_001271698.3); c.1375G>A, p.Gly459Arg (NM_001271699.3); c.1495G>A, p.Gly499Arg (NM_004299.6); short protein forms G499R, G498R, G459R, G458R, G472R.
Identifiers: ClinVar variation 368656 (VCV000368656.16), dbSNP rs151288786, ClinGen allele CA10455387.